The following is an entry in ClinVar:

NM_000059.4(BRCA2):c.396T>G (p.Cys132Trp)

Gene: BRCA2 (BRCA2 DNA repair associated; plus strand). Cytogenetic location: 13q13.1.
Variant type: single nucleotide variant.
Coding change: c.396T>G on transcript NM_000059.4 (MANE Select); coding-DNA position 396, T replaced by G.
Protein change: p.Cys132Trp; replaces cysteine 132 with tryptophan.
Molecular consequence: missense variant. On other transcripts: non-coding transcript variant (1).
Genome position (GRCh38, 1-based): chr13:32,325,155, T>G. VCF-style: chr13-32325155-T-G. GRCh37 (hg19) VCF-style: chr13-32899292-T-G.
Other names: c.396T>G, p.Cys132Trp (NM_001406719.1, NM_001406720.1, NM_001406721.1); c.27T>G, p.Cys9Trp (NM_001406722.1); short protein forms C132W, C9W.
Identifiers: ClinVar variation 2799253 (VCV002799253.3), dbSNP rs397507320, ClinGen allele CA387756698.

ClinVar aggregate classification (germline): Uncertain significance (1 of 4 stars; one submission).

Conditions:
Hereditary breast ovarian cancer syndrome. Also called: Hereditary breast and ovarian cancer syndrome; Hereditary breast and ovarian cancer syndrome (HBOC); Hereditary breast and/or ovarian cancer syndrome; Hereditary breast and ovarian cancer; Breast and ovarian cancer; BRCA1- and BRCA2-Associated Hereditary Breast and Ovarian Cancer. Identifiers: Orphanet 145, MedGen C0677776, MeSH D061325, MONDO:0003582. Disease mechanism: loss of function.

Submission:

Labcorp Genetics (formerly Invitae), Labcorp
Classification: Uncertain significance for Hereditary breast ovarian cancer syndrome. Last evaluated: 2023-05-01. Review status: criteria provided, single submitter. Criteria: Invitae Variant Classification Sherloc (09022015). Collection method: clinical testing. Allele origin: germline.
Comment: Advanced modeling of protein sequence and biophysical properties (such as structural, functional, and spatial information, amino acid conservation, physicochemical variation, residue mobility, and thermodynamic stability) performed at Invitae indicates that this missense variant is not expected to disrupt BRCA2 protein function. In summary, the available evidence is currently insufficient to determine the role of this variant in disease. Therefore, it has been classified as a Variant of Uncertain Significance. This variant has not been reported in the literature in individuals affected with BRCA2-related conditions. This variant is not present in population databases (gnomAD no frequency). This sequence change replaces cysteine, which is neutral and slightly polar, with tryptophan, which is neutral and slightly polar, at codon 132 of the BRCA2 protein (p.Cys132Trp).